The following is an entry in ClinVar:

ClinVar aggregate classification (germline): Pathogenic/Likely pathogenic. Review status: criteria provided, multiple submitters, no conflicts (2 of 4 stars). 4 submissions from 4 submitters: Pathogenic (1); Likely pathogenic (3). Last evaluated 2025-01-22.

Conditions:
Charcot-Marie-Tooth disease type 4. Also called: Charcot-Marie-Tooth, Type 4; Charcot-Marie-Tooth disease, type IV. Identifiers: Orphanet 64749, MedGen C4082197, MONDO:0018995.
MTMR2-related disorders.
Inborn genetic diseases. Identifiers: MedGen C0950123, MeSH D030342.

Submissions (4):

GeneDx
Classification: Likely pathogenic. Last evaluated: 2025-01-22. Review status: criteria provided, single submitter. Criteria: GeneDx Variant Classification Process June 2021. Collection method: clinical testing. Allele origin: germline. Affected: yes.
Comment: Frameshift variant predicted to result in abnormal protein length as the last 15 amino acid(s) are replaced with 30 different amino acid(s); This variant is associated with the following publications: (PMID: 31680794, 31070812, 28509084)

Labcorp Genetics (formerly Invitae), Labcorp
Classification: Likely pathogenic for Charcot-Marie-Tooth disease type 4. Last evaluated: 2024-09-10. Review status: criteria provided, single submitter. Criteria: Invitae Variant Classification Sherloc (09022015). Collection method: clinical testing. Allele origin: germline.
Comment: This sequence change results in a frameshift in the MTMR2 gene (p.Ala629Glufs*31). While this is not anticipated to result in nonsense mediated decay, it is expected to disrupt the last 15 amino acid(s) of the MTMR2 protein and extend the protein by 15 additional amino acid residues. This variant is present in population databases (rs751292488, gnomAD 0.07%). This frameshift has been observed in individuals with Charcot-Marie-Tooth disease (PMID: 28509084; internal data). This variant is also known as c.1877_1878insAGAG. ClinVar contains an entry for this variant (Variation ID: 577174). In summary, the currently available evidence indicates that the variant is pathogenic, but additional data are needed to prove that conclusively. Therefore, this variant has been classified as Likely Pathogenic.

Ambry Genetics
Classification: Likely pathogenic for Inborn genetic diseases. Last evaluated: 2023-12-13. Review status: criteria provided, single submitter. Criteria: Ambry Variant Classification Scheme 2023. Collection method: clinical testing. Allele origin: germline.
Comment: The c.1882_1885dupAGAG (p.A629Efs*31) alteration, located in exon 15 (coding exon 15) of the MTMR2 gene, consists of a duplication of AGAG at position 1882, causing a translational frameshift with a predicted alternate stop codon after 31 amino acids. This alteration occurs at the 3' terminus of the MTMR2 gene, is not expected to trigger nonsense-mediated mRNA decay and results in the elongation of the protein by 15 amino acids. This frameshift impacts the last 15 amino acids of the native protein. Frameshifts are typically deleterious in nature and the impacted region is critical for protein function (Ambry internal data). Based on data from gnomAD, the c.1882_1885dupAGAG allele has an overall frequency of 0.003% (8/281782) total alleles studied. The highest observed frequency was 0.048% (5/10350) of Ashkenazi Jewish alleles. This alteration was detected in the homozygous state, and in conjunction with another alteration in MTMR2, in multiple individuals with neuropathy (Abdalla-Moady, 2018; external communication). Based on internal structural analysis, this alteration disrupts the PDZ-binding motif of MTMR2 (Ambry internal data). Based on the available evidence, this alteration is classified as likely pathogenic.

Blueprint Genetics
Classification: Pathogenic for MTMR2-related disorders. Last evaluated: 2019-07-31. Review status: criteria provided, single submitter. Criteria: ACMG Guidelines, 2015. Collection method: clinical testing. Allele origin: germline. Affected: yes. Observed: 2 variant alleles.

Literature cited by the submitters: PubMed 28509084 (cited by Labcorp Genetics (formerly Invitae), Labcorp and Ambry Genetics).

NM_016156.6(MTMR2):c.1882_1885dup (p.Ala629fs)

Gene: MTMR2 (myotubularin related protein 2; minus strand). Cytogenetic location: 11q21.
Variant type: Microsatellite.
Coding change: c.1882_1885dup on transcript NM_016156.6 (MANE Select); coding-DNA positions 1882 to 1885, 4 bases duplicated (AGAG; older notation c.1882_1885dupAGAG).
Protein change: p.Ala629fs; shifts the reading frame from alanine 629.
Molecular consequence: frameshift variant.
Genome position (GRCh38, 1-based): chr11:95,835,337-95,835,340, CTCT duplicated on the plus strand (AGAG on the coding strand, the reverse complement: MTMR2 is on the minus strand); duplicating any 4 consecutive bases within chr11:95,835,337-95,835,344 gives the same sequence; the c. name uses the placement nearest the transcript's 3' end. VCF-style (leftmost placement, unchanged base first): chr11-95835336-G-GCTCT. GRCh37 (hg19) VCF-style: chr11-95568500-G-GCTCT.
Other names: c.1666_1669dup, p.Ala557fs (NM_001243571.2, NM_201278.3, NM_201281.3); c.1882_1885dup (NM_016156.5); short protein forms A629fs, A557fs.
Identifiers: ClinVar variation 577174 (VCV000577174.14), dbSNP rs751292488, ClinGen allele CA6239824.
Genomic context (GRCh38, chr11:95,835,336, plus strand): 5'-GATCTTACAGTCCTTTATACAACAGTTTGGACAGGAGTGACACACTGTGCAGGAGAGCTG[G>GCTCT]CTCTCTCTGAGGATGAGGTTGATCGGTTAGAAATCTCTCTCTGTAGTTCCTCTACTTTTT-3'